The following is an entry in ClinVar:

NM_001042492.3(NF1):c.5320_5324dup (p.Ser1776fs)

Gene: NF1 (neurofibromin 1; plus strand). Cytogenetic location: 17q11.2.
Variant type: Duplication.
Coding change: c.5320_5324dup on transcript NM_001042492.3 (MANE Select); coding-DNA positions 5320 to 5324, 5 bases duplicated (GGGCA; older notation c.5320_5324dupGGGCA).
Protein change: p.Ser1776fs; shifts the reading frame from serine 1776.
Molecular consequence: frameshift variant.
Genome position (GRCh38, 1-based): chr17:31,327,550-31,327,554, GGGCA duplicated; duplicating any 5 consecutive bases within chr17:31,327,549-31,327,554 gives the same sequence; the c. name uses the placement nearest the transcript's 3' end. VCF-style (leftmost placement, unchanged base first): chr17-31327548-T-TAGGGC. GRCh37 (hg19) VCF-style: chr17-29654566-T-TAGGGC.
Other names: c.5257_5261dupGGGCA (NM_000267.3); c.5257_5261dup, p.Ser1755Glyfs (NM_000267.4); short protein forms S1755fs, S1776fs.
Identifiers: ClinVar variation 451369 (VCV000451369.2), dbSNP rs1555533562, ClinGen allele CA658658550.

ClinVar aggregate classification (germline): Pathogenic (1 of 4 stars; one submission).

Submission:

GeneDx
Classification: Pathogenic. Last evaluated: 2017-08-15. Review status: criteria provided, single submitter. Criteria: GeneDx Variant Classification (06012015). Collection method: clinical testing. Allele origin: germline. Affected: yes.
Comment: The c.5257_5261dupGGGCA variant in the NF1 gene has not been published as a pathogenic variant, nor has it been reported as a benign variant to our knowledge. This duplication causes a frameshift starting with codon Serine 1755, changes this amino acid to a Glycine residue and creates a premature Stop codon at position 6 of the new reading frame, denoted p.Ser1755GlyfsX6. This variant is predicted to cause loss of normal protein function either through protein truncation or nonsense-mediated mRNA decay. Based on currently available evidence, we consider c.5257_5261dupGGGCA to be pathogenic.